The following is an entry in ClinVar:

NM_001374736.1(DST):c.18503A>C (p.Gln6168Pro)

Gene: DST (dystonin; minus strand). Cytogenetic location: 6p12.1.
Variant type: single nucleotide variant.
Coding change: c.18503A>C on transcript NM_001374736.1 (MANE Select); coding-DNA position 18503, A replaced by C.
Protein change: p.Gln6168Pro; replaces glutamine 6168 with proline.
Molecular consequence: missense variant.
Genome position (GRCh38, 1-based): chr6:56,515,523, T>G on the plus strand (A>C on the coding strand, the complement: DST is on the minus strand). VCF-style: chr6-56515523-T-G. GRCh37 (hg19) VCF-style: chr6-56380321-T-G.
Other names: c.12146A>C, p.Gln4049Pro (NM_001144769.5); c.11732A>C, p.Gln3911Pro (NM_001144770.2); c.18503A>C, p.Gln6168Pro (NM_001374722.1); c.17543A>C, p.Gln5848Pro (NM_001374729.1); c.11285A>C, p.Gln3762Pro (NM_001374730.1); c.18530A>C, p.Gln6177Pro (NM_001374734.1); c.11612A>C, p.Gln3871Pro (NM_001386100.1, NM_183380.4); c.10634A>C, p.Gln3545Pro (NM_015548.5); short protein forms Q3871P, Q6177P, Q3545P, Q3911P, Q5848P, Q6168P, Q4049P, Q3762P.
Identifiers: ClinVar variation 1751062 (VCV001751062.5), dbSNP rs752217071, ClinGen allele CA3867196.

ClinVar aggregate classification (germline): Uncertain significance. Review status: criteria provided, multiple submitters, no conflicts (2 of 4 stars). 2 submissions from 2 submitters: Uncertain significance (2). Last evaluated 2023-09-29.

Conditions:
Inborn genetic diseases. Identifiers: MedGen C0950123, MeSH D030342.
Epidermolysis bullosa simplex 3, localized or generalized intermediate, with BP230 deficiency (EBS3). Also called: Epidermolysis bullosa simplex due to BP230 deficiency; Epidermolysis bullosa simplex, autosomal recessive 2. Identifiers: Orphanet 412181, MedGen C3809470, MONDO:0014180, OMIM 615425.
Hereditary sensory and autonomic neuropathy type 6. Also called: HSAN VI; Neuropathy, hereditary sensory and autonomic, type VI. Identifiers: Orphanet 314381, MedGen C3539003, MONDO:0013839, OMIM 614653.

Allele frequency attached by ClinVar (database versions not stated): gnomAD exomes below 0.00001; ExAC 0.00001; TOPMed 0.00001; gnomAD 0.00002.
gnomAD v4.1: 4 of 1,613,858 alleles (0.00025%); highest among the groups gnomAD compares: African/African-American, 0.0053%; no homozygotes.

Submissions (2):

Labcorp Genetics (formerly Invitae), Labcorp
Classification: Uncertain significance for Epidermolysis bullosa simplex 3, localized or generalized intermediate, with BP230 deficiency; Hereditary sensory and autonomic neuropathy type 6. Last evaluated: 2023-09-29. Review status: criteria provided, single submitter. Criteria: Invitae Variant Classification Sherloc (09022015). Collection method: clinical testing. Allele origin: germline.
Comment: The DST gene has multiple clinically relevant transcripts. This variant occurs in alternate transcript NM_015548.4, and corresponds to NM_001723.5:c.*99994A>C in the primary transcript. This sequence change replaces glutamine, which is neutral and polar, with proline, which is neutral and non-polar, at codon 3545 of the DST protein (p.Gln3545Pro). This variant is present in population databases (rs752217071, gnomAD 0.01%). This variant has not been reported in the literature in individuals affected with DST-related conditions. Experimental studies and prediction algorithms are not available or were not evaluated, and the functional significance of this variant is currently unknown. In summary, the available evidence is currently insufficient to determine the role of this variant in disease. Therefore, it has been classified as a Variant of Uncertain Significance.

Ambry Genetics
Classification: Uncertain significance for Inborn genetic diseases. Last evaluated: 2020-01-29. Review status: criteria provided, single submitter. Criteria: Ambry Variant Classification Scheme 2023. Collection method: clinical testing. Allele origin: germline.
Comment: The p.Q4049P variant (also known as c.12146A>C), located in coding exon 66 of the DST gene, results from an A to C substitution at nucleotide position 12146. The glutamine at codon 4049 is replaced by proline, an amino acid with similar properties. This amino acid position is not well conserved in available vertebrate species. In addition, the in silico prediction for this alteration is inconclusive. Since supporting evidence is limited at this time, the clinical significance of this alteration remains unclear.